The following is an entry in ClinVar:

NM_000836.4(GRIN2D):c.3365G>T (p.Gly1122Val)

Gene: GRIN2D (glutamate ionotropic receptor NMDA type subunit 2D; plus strand). Cytogenetic location: 19q13.33.
Variant type: single nucleotide variant.
Coding change: c.3365G>T on transcript NM_000836.4 (MANE Select); coding-DNA position 3365, G replaced by T.
Protein change: p.Gly1122Val; replaces glycine 1122 with valine.
Molecular consequence: missense variant.
Genome position (GRCh38, 1-based): chr19:48,443,291, G>T. VCF-style: chr19-48443291-G-T. GRCh37 (hg19) VCF-style: chr19-48946548-G-T.
Other names: short protein forms G1122V.
Identifiers: ClinVar variation 3684521 (VCV003684521.2).
Genomic context (GRCh38, chr19:48,443,291, plus strand): 5'-CGTGCCCTTACCTCGATCTCGAGCCGTCGCCGTCGGACTCGGAGGACTCGGAGAGCCTGG[G>T]CGGCGCGTCGCTGGGCGGCCTGGAGCCCTGGTGGTTCGCCGACTTCCCTTACCCGTATGC-3'
Protein context (NP_000827.2, residues 1112-1132): PSDSEDSESL[Gly1122Val]GASLGGLEPW

ClinVar aggregate classification (germline): Uncertain significance (1 of 4 stars; one submission).

gnomAD v4.1: 1 of 1,541,414 alleles (0.000065%); highest among the groups gnomAD compares: Admixed American, 0.0019%; no homozygotes.

Submission:

Labcorp Genetics (formerly Invitae), Labcorp
Classification: Uncertain significance. Last evaluated: 2024-08-24. Review status: criteria provided, single submitter. Criteria: Invitae Variant Classification Sherloc (09022015). Collection method: clinical testing. Allele origin: germline.
Comment: This sequence change replaces glycine, which is neutral and non-polar, with valine, which is neutral and non-polar, at codon 1122 of the GRIN2D protein (p.Gly1122Val). The frequency data for this variant in the population databases is considered unreliable, as metrics indicate poor data quality at this position in the gnomAD database. This variant has not been reported in the literature in individuals affected with GRIN2D-related conditions. Invitae Evidence Modeling of protein sequence and biophysical properties (such as structural, functional, and spatial information, amino acid conservation, physicochemical variation, residue mobility, and thermodynamic stability) indicates that this missense variant is not expected to disrupt GRIN2D protein function with a negative predictive value of 95%. In summary, the available evidence is currently insufficient to determine the role of this variant in disease. Therefore, it has been classified as a Variant of Uncertain Significance.